The following is an entry in ClinVar:

ClinVar aggregate classification (germline): Uncertain significance (1 of 4 stars; one submission).

Conditions:
POLD1-related polyposis and colorectal cancer syndrome (CRCS10). Also called: Colorectal cancer 10; COLORECTAL CANCER, SUSCEPTIBILITY TO, ON CHROMOSOME 19q; Colorectal cancer, susceptibility to, 10. Identifiers: Orphanet 220460, MedGen C2675481, MONDO:0012953, OMIM 612591.

Submission:

Labcorp Genetics (formerly Invitae), Labcorp
Classification: Uncertain significance for POLD1-related polyposis and colorectal cancer syndrome. Last evaluated: 2022-02-23. Review status: criteria provided, single submitter. Criteria: Invitae Variant Classification Sherloc (09022015). Collection method: clinical testing. Allele origin: germline.
Comment: In summary, the available evidence is currently insufficient to determine the role of this variant in disease. Therefore, it has been classified as a Variant of Uncertain Significance. Algorithms developed to predict the effect of sequence changes on RNA splicing suggest that this variant may disrupt the consensus splice site. This variant has not been reported in the literature in individuals affected with POLD1-related conditions. This variant is not present in population databases (gnomAD no frequency). This sequence change affects codon 706 of the POLD1 mRNA. It is a 'silent' change, meaning that it does not change the encoded amino acid sequence of the POLD1 protein.

NM_002691.4(POLD1):c.2118C>T (p.Ala706=)

Gene: POLD1 (DNA polymerase delta 1, catalytic subunit; plus strand). Cytogenetic location: 19q13.33.
Variant type: single nucleotide variant.
Coding change: c.2118C>T on transcript NM_002691.4 (MANE Select); coding-DNA position 2118, C replaced by T.
Protein change: p.Ala706=; no amino-acid change (alanine 706 retained).
Molecular consequence: synonymous variant. On other transcripts: non-coding transcript variant (1).
Genome position (GRCh38, 1-based): chr19:50,409,630, C>T. VCF-style: chr19-50409630-C-T. GRCh37 (hg19) VCF-style: chr19-50912887-C-T.
Other names: c.2118C>T, p.Ala706= (NM_001256849.1); c.2196C>T, p.Ala732= (NM_001308632.1).
Identifiers: ClinVar variation 2102287 (VCV002102287.4), dbSNP rs2122388934, ClinGen allele CA508185886.
Genomic context (GRCh38, chr19:50,409,630, plus strand): 5'-GGATGGACGGCAGCTGGCGCTGAAGGTGAGCGCCAACTCCGTATACGGCTTCACTGGCGC[C>T]CAGGTGGGCAAGTTGCCGTGCCTGGAGATCTCACAGGTGGGCACTCGGGCCCCTGGAAGG-3'
Protein context (NP_002682.2, residues 696-716): SANSVYGFTG[Ala706=]QVGKLPCLEI